The following is an entry in ClinVar:

ClinVar aggregate classification (germline): Uncertain significance (1 of 4 stars; one submission).

Submission:

GeneDx
Classification: Uncertain significance. Last evaluated: 2025-06-25. Review status: criteria provided, single submitter. Criteria: GeneDx Variant Classification Process June 2021. Collection method: clinical testing. Allele origin: germline. Affected: yes.
Comment: Not observed at significant frequency in large population cohorts (gnomAD); In silico analysis supports that this missense variant has a deleterious effect on protein structure/function; Has not been previously published as pathogenic or benign to our knowledge

NM_000256.3(MYBPC3):c.1516G>A (p.Asp506Asn)

Gene: MYBPC3 (myosin binding protein C3; minus strand). Cytogenetic location: 11p11.2.
Variant type: single nucleotide variant.
Coding change: c.1516G>A on transcript NM_000256.3 (MANE Select); coding-DNA position 1516, G replaced by A.
Protein change: p.Asp506Asn; replaces aspartic acid 506 with asparagine.
Molecular consequence: missense variant.
Genome position (GRCh38, 1-based): chr11:47,342,686, C>T on the plus strand (G>A on the coding strand, the complement: MYBPC3 is on the minus strand). VCF-style: chr11-47342686-C-T. GRCh37 (hg19) VCF-style: chr11-47364237-C-T.
Other names: short protein forms D506N.
Identifiers: ClinVar variation 4540193 (VCV004540193.1).